The following is an entry in ClinVar:

ClinVar aggregate classification (germline): Uncertain significance (1 of 4 stars; one submission).

Submission:

GeneDx
Classification: Uncertain significance. Last evaluated: 2022-11-23. Review status: criteria provided, single submitter. Criteria: GeneDx Variant Classification Process June 2021. Collection method: clinical testing. Allele origin: germline. Affected: yes.
Comment: Not observed at significant frequency in large population cohorts (gnomAD); In silico analysis supports that this missense variant does not alter protein structure/function; Has not been previously published as pathogenic or benign to our knowledge

NM_002472.3(MYH8):c.3790A>G (p.Thr1264Ala)

Genes: MYH8 (myosin heavy chain 8; minus strand), MYHAS (myosin heavy chain gene cluster antisense RNA; plus strand). Cytogenetic location: 17p13.1.
Variant type: single nucleotide variant.
Coding change: c.3790A>G on transcript NM_002472.3 (MANE Select); coding-DNA position 3790, A replaced by G.
Protein change: p.Thr1264Ala; replaces threonine 1264 with alanine.
Molecular consequence: missense variant.
Genome position (GRCh38, 1-based): chr17:10,399,615, T>C on the plus strand (A>G on the coding strand, the complement: MYH8 is on the minus strand). VCF-style: chr17-10399615-T-C. GRCh37 (hg19) VCF-style: chr17-10302932-T-C.
Other names: short protein forms T1264A.
Identifiers: ClinVar variation 2504789 (VCV002504789.1), dbSNP rs2508037401, ClinGen allele CA398102057.